The following is an entry in ClinVar:

ClinVar aggregate classification (germline): Pathogenic/Likely pathogenic. Review status: criteria provided, multiple submitters, no conflicts (2 of 4 stars). 2 submissions from 2 submitters: Pathogenic (1); Likely pathogenic (1). Last evaluated 2024-01-05.

Conditions:
Joubert syndrome 28 (JBTS28). Identifiers: MedGen C4310705, MONDO:0014928, OMIM 617121.
Bardet-Biedl syndrome 13 (BBS13). Identifiers: Orphanet 110, MedGen C2673873, MONDO:0014441, OMIM 615990.
Meckel syndrome, type 1 (MKS1). Also called: MECKEL-GRUBER SYNDROME, TYPE 1. Identifiers: Orphanet 564, MedGen C3714506, MONDO:0009571, OMIM 249000.
Ciliopathy. Also called: Ciliopathies. Identifiers: Orphanet 363250, MedGen C4277690, MONDO:0005308, MeSH D000072661.

Submissions (2):

Fulgent Genetics
Classification: Likely pathogenic for Meckel syndrome, type 1; Bardet-Biedl syndrome 13; Joubert syndrome 28. Last evaluated: 2024-01-05. Review status: criteria provided, single submitter. Criteria: ACMG Guidelines, 2015. Collection method: clinical testing. Allele origin: germline.

Myriad Genetics, Inc.
Classification: Pathogenic for Ciliopathy. Last evaluated: 2023-12-21. Review status: criteria provided, single submitter. Criteria: Myriad Autosomal Dominant, Autosomal Recessive and X-Linked Classification Criteria (2023). Collection method: clinical testing. Allele origin: unknown.
Comment: NM_017777.3(MKS1):c.1243dupT(Y415Lfs*30) is expected to be pathogenic in the context of MKS1-related disorders. This variant is predicted to lead to an abnormal or absent protein product due to the creation of a premature termination codon in MKS1, a gene where loss-of-function variants are known to be pathogenic. Please note: this variant was assessed in the context of healthy population screening.

NM_017777.4(MKS1):c.1243dup (p.Tyr415fs)

Gene: MKS1 (MKS transition zone complex subunit 1; minus strand). Cytogenetic location: 17q22.
Variant type: Duplication.
Coding change: c.1243dup on transcript NM_017777.4 (MANE Select); coding-DNA position 1243, one base duplicated (T; older notation c.1243dupT).
Protein change: p.Tyr415fs; shifts the reading frame from tyrosine 415.
Molecular consequence: frameshift variant.
Genome position (GRCh38, 1-based): chr17:58,207,924, A duplicated on the plus strand (T on the coding strand, the reverse complement: MKS1 is on the minus strand). VCF-style (leftmost placement, unchanged base first): chr17-58207923-T-TA. GRCh37 (hg19) VCF-style: chr17-56285284-T-TA.
Other names: c.634dup, p.Tyr212fs (NM_001321268.2); c.1243dup, p.Tyr415fs (NM_001321269.2, NM_001330397.2, NM_001411113.1); short protein forms Y212fs, Y415fs.
Identifiers: ClinVar variation 3582347 (VCV003582347.2).